The following is an entry in ClinVar:

ClinVar aggregate classification (germline): Uncertain significance (1 of 4 stars; one submission).

Conditions:
Intellectual disability, X-linked 102 (MRXSSB). Also called: Intellectual developmental disorder, X-linked syndromic, Snijders Blok type. Identifiers: Orphanet 457260, MedGen C5393299, MONDO:0010497, OMIM 300958.

gnomAD v4.1: 1 of 1,077,591 alleles (0.000093%); highest among the groups gnomAD compares: Non-Finnish European, 0.00012%; no homozygotes.

Submission:

Institute of Human Genetics, University of Leipzig Medical Center
Classification: Uncertain significance for Intellectual disability, X-linked 102. Last evaluated: 2017-01-13. Review status: criteria provided, single submitter. Criteria: ACMG Guidelines, 2015. Collection method: clinical testing. Allele origin: de novo. Affected: yes. Observed: 1 variant allele.
Comment: This variant was identified as de novo (maternity and paternity confirmed).

NM_001356.5(DDX3X):c.122C>A (p.Pro41His)

Gene: DDX3X (DEAD-box helicase 3 X-linked; plus strand). Cytogenetic location: Xp11.4.
Variant type: single nucleotide variant.
Coding change: c.122C>A on transcript NM_001356.5 (MANE Select); coding-DNA position 122, C replaced by A.
Protein change: p.Pro41His; replaces proline 41 with histidine.
Molecular consequence: missense variant. On other transcripts: 5 prime UTR variant (1), non-coding transcript variant (1), intron variant (1).
Genome position (GRCh38, 1-based): chrX:41,339,054, C>A. VCF-style: chrX-41339054-C-A. GRCh37 (hg19) VCF-style: chrX-41198307-C-A.
Other names: c.122C>A, p.Pro41His (NM_001193416.3); c.-437C>A (NM_001363819.1); c.103+1589C>A (NM_001193417.3); short protein forms P41H.
Identifiers: ClinVar variation 975950 (VCV000975950.1), dbSNP rs1341824034, ClinGen allele CA412762957.